The following is an entry in ClinVar:

ClinVar aggregate classification (germline): Likely pathogenic (1 of 4 stars; one submission).

Conditions:
Myopathy, myofibrillar, 9, with early respiratory failure (MFM9). Also called: MYOPATHY, PROXIMAL, WITH EARLY RESPIRATORY MUSCLE INVOLVEMENT; Hereditary myopathy with early respiratory failure; Myopathy, distal, with early respiratory failure, autosomal dominant; EDSTROM MYOPATHY. Identifiers: Orphanet 178464, Orphanet 34521, MedGen C1863599, MONDO:0011362, OMIM 603689.
Dilated cardiomyopathy 1G (CMD1G). Identifiers: Orphanet 154, MedGen C1858763, MONDO:0011400, OMIM 604145.
Early-onset myopathy with fatal cardiomyopathy (CMYO5). Also called: Salih Myopathy; CONGENITAL MYOPATHY 5 WITH CARDIOMYOPATHY. Identifiers: Orphanet 289377, MedGen C2673677, MONDO:0012714, OMIM 611705. Disease mechanism: loss of function.
Tibial muscular dystrophy (TMD). Also called: Udd Distal Myopathy – Tibial Muscular Dystrophy; Tibial muscular dystrophy, tardive; UDD MYOPATHY. Identifiers: Orphanet 609, MedGen C1838244, MONDO:0010870, OMIM 600334.
Hypertrophic cardiomyopathy 9. Also called: Familial hypertrophic cardiomyopathy 9. Identifiers: MedGen C1861065, MONDO:0013412, OMIM 613765.
Autosomal recessive limb-girdle muscular dystrophy type 2J (LGMDR10). Also called: Limb-girdle muscular dystrophy, type 2J; MUSCULAR DYSTROPHY, LIMB-GIRDLE, AUTOSOMAL RECESSIVE 10. Identifiers: Orphanet 140922, MedGen C1837342, MONDO:0012127, OMIM 608807.

Submission:

Juno Genomics, Hangzhou Juno Genomics, Inc
Classification: Likely pathogenic for Hypertrophic cardiomyopathy 9; Myopathy, myofibrillar, 9, with early respiratory failure; Tibial muscular dystrophy; Early-onset myopathy with fatal cardiomyopathy; Dilated cardiomyopathy 1G; Autosomal recessive limb-girdle muscular dystrophy type 2J. Review status: criteria provided, single submitter. Criteria: ACMG Guidelines, 2015. Collection method: clinical testing. Allele origin: germline.
Comment: Absent from controls (or at extremely low frequency if recessive) in Genome Aggregation Database.;Null variant in a gene where loss of function (LOF) is a known mechanism of disease.

NM_001267550.2(TTN):c.11372del (p.Leu3791fs)

Gene: TTN (titin; minus strand). Cytogenetic location: 2q31.2.
Variant type: Deletion.
Coding change: c.11372del on transcript NM_001267550.2 (MANE Select); coding-DNA position 11372, one base deleted (T; older notation c.11372delT).
Protein change: p.Leu3791fs; shifts the reading frame from leucine 3791.
Molecular consequence: frameshift variant. On other transcripts: intron variant (1).
Genome position (GRCh38, 1-based): chr2:178,741,861, A deleted on the plus strand (T on the coding strand, the reverse complement: TTN is on the minus strand); the first of 2 consecutive A bases (chr2:178,741,861-178,741,862); deleting either gives the same sequence. VCF-style (leftmost placement, unchanged base first): chr2-178741860-TA-T. GRCh37 (hg19) VCF-style: chr2-179606587-TA-T.
Other names: c.10421del, p.Leu3474fs (NM_001256850.1); c.10283del, p.Leu3428fs (NM_003319.4); c.10658del, p.Leu3553fs (NM_133432.3); c.10859del, p.Leu3620fs (NM_133437.4); c.10361-3501del (NM_133378.4); short protein forms L3474fs, L3553fs, L3620fs, L3428fs, L3791fs.
Identifiers: ClinVar variation 5007666 (VCV005007666.2).
Genomic context (GRCh38, chr2:178,741,860, plus strand): 5'-AAATTTAGTTGGGTAAACTGGAGATTCAGACAAAAGTTCAAGTGTTTCATTTATTTTAGA[TA>T]ATTGAAGTTCGGCGCTATGAAGTCCTTCTTCCTCGGCAGACAGAAAAGAACTAGAAAACT-3'